The following is an entry in ClinVar:

NM_020708.5(SLC12A5):c.3193C>T (p.Arg1065Trp)

Gene: SLC12A5 (solute carrier family 12 member 5; plus strand). Cytogenetic location: 20q13.12.
Variant type: single nucleotide variant.
Coding change: c.3193C>T on transcript NM_020708.5 (MANE Select); coding-DNA position 3193, C replaced by T.
Protein change: p.Arg1065Trp; replaces arginine 1065 with tryptophan.
Molecular consequence: missense variant.
Genome position (GRCh38, 1-based): chr20:46,057,237, C>T. VCF-style: chr20-46057237-C-T. GRCh37 (hg19) VCF-style: chr20-44685876-C-T.
Other names: c.3262C>T, p.Arg1088Trp (NM_001134771.2); short protein forms R1065W, R1088W.
Identifiers: ClinVar variation 1675131 (VCV001675131.3), dbSNP rs774675766, ClinGen allele CA409209647.

ClinVar aggregate classification (germline): Uncertain significance (1 of 4 stars; one submission).

Conditions:
Developmental and epileptic encephalopathy, 34 (DEE34). Also called: Early infantile epileptic encephalopathy 34; SLC12A5-Related Epilepsy of Infancy with Migrating Focal Seizures. Identifiers: Orphanet 293181, MedGen C4225257, MONDO:0014718, OMIM 616645.
Epilepsy, idiopathic generalized, susceptibility to, 14 (EIG14). Identifiers: MedGen C4225245, MONDO:0014734, OMIM 616685.

Submission:

Center for Genomics, Ann and Robert H. Lurie Children's Hospital of Chicago
Classification: Uncertain significance for Epilepsy, idiopathic generalized, susceptibility to, 14; Developmental and epileptic encephalopathy, 34. Review status: criteria provided, single submitter. Criteria: ACMG Guidelines, 2015. Collection method: clinical testing. Allele origin: germline.
Comment: This variant has not been reported in the literature and is not present in large control databases. Evolutionary conservation suggests that this variant may not impact the protein; computational predictive tools for this variant are unclear. In summary, data on this variant is insufficient for disease classification. Therefore, the clinical significance of this variant is uncertain.